The following is an entry in ClinVar:

NM_001101.5(ACTB):c.123+5G>C

Gene: ACTB (actin beta; minus strand). Cytogenetic location: 7p22.1.
Variant type: single nucleotide variant.
Coding change: c.123+5G>C on transcript NM_001101.5 (MANE Select); 5 bases into the intron after coding-DNA position 123, G replaced by C.
Molecular consequence: intron variant.
Genome position (GRCh38, 1-based): chr7:5,529,530, C>G on the plus strand (G>C on the coding strand, the complement: ACTB is on the minus strand). VCF-style: chr7-5529530-C-G. GRCh37 (hg19) VCF-style: chr7-5569161-C-G.
Identifiers: ClinVar variation 4980410 (VCV004980410.1).
Genomic context (GRCh38, chr7:5,529,530, plus strand): 5'-TGCAGAGAAAGCGCCCTTGCCTCCCGCCCGCTCCCGGGGCTGCCCCACCCAGCCAGCTCC[C>G]CTACCTGGTGCCTGGGGCGCCCCACGATGGAGGGGAAGACGGCCCGGGGGGCATCGTCGC-3'

ClinVar aggregate classification (germline): Likely benign (1 of 4 stars; one submission).

Conditions:
ACTB-related disorder. Also called: ACTB-related disorders; ACTB-related condition.

gnomAD v4.1: 12 of 1,610,974 alleles (0.00074%); highest among the groups gnomAD compares: South Asian, 0.011%; no homozygotes.

Submission:

PreventionGenetics, part of Exact Sciences
Classification: Likely benign for ACTB-related condition. Last evaluated: 2026-01-22. Review status: criteria provided, single submitter. Criteria: ACMG Guidelines, 2015. Collection method: clinical testing. Allele origin: germline.
Comment: This variant is classified as likely benign based on ACMG/AMP sequence variant interpretation guidelines (Richards et al. 2015 PMID: 25741868, with internal and published modifications).